The following is an entry in ClinVar:

ClinVar aggregate classification (germline): Uncertain significance (1 of 4 stars; one submission).

Allele frequency attached by ClinVar (database versions not stated): TOPMed below 0.00001.

Submission:

Labcorp Genetics (formerly Invitae), Labcorp
Classification: Uncertain significance. Last evaluated: 2022-03-16. Review status: criteria provided, single submitter. Criteria: Invitae Variant Classification Sherloc (09022015). Collection method: clinical testing. Allele origin: germline.
Comment: In summary, the available evidence is currently insufficient to determine the role of this variant in disease. Therefore, it has been classified as a Variant of Uncertain Significance. Algorithms developed to predict the effect of sequence changes on RNA splicing suggest that this variant may disrupt the consensus splice site. This variant has not been reported in the literature in individuals affected with PDE6C-related conditions. This variant is not present in population databases (gnomAD no frequency). This sequence change affects codon 608 of the PDE6C mRNA. It is a 'silent' change, meaning that it does not change the encoded amino acid sequence of the PDE6C protein.

NM_006204.4(PDE6C):c.1824C>T (p.Gly608=)

Gene: PDE6C (phosphodiesterase 6C; plus strand). Cytogenetic location: 10q23.33.
Variant type: single nucleotide variant.
Coding change: c.1824C>T on transcript NM_006204.4 (MANE Select); coding-DNA position 1824, C replaced by T.
Protein change: p.Gly608=; no amino-acid change (glycine 608 retained).
Molecular consequence: synonymous variant.
Genome position (GRCh38, 1-based): chr10:93,641,006, C>T. VCF-style: chr10-93641006-C-T. GRCh37 (hg19) VCF-style: chr10-95400763-C-T.
Identifiers: ClinVar variation 2113004 (VCV002113004.4), dbSNP rs2058557135, ClinGen allele CA470793839.